The following is an entry in ClinVar:

ClinVar aggregate classification (germline): Likely benign (1 of 4 stars; one submission).

Submission:

CeGaT Center for Human Genetics Tuebingen
Classification: Likely benign. Last evaluated: 2023-01-01. Review status: criteria provided, single submitter. Criteria: CeGaT Center For Human Genetics Tuebingen Variant Classification Criteria Version 2. Collection method: clinical testing. Allele origin: germline. Affected: yes. Observed: 1 variant allele.
Comment: POLH: PM2:Supporting, BP4, BP7

NM_006502.3(POLH):c.2076T>G (p.Thr692=)

Gene: POLH (DNA polymerase eta; plus strand). Cytogenetic location: 6p21.1.
Variant type: single nucleotide variant.
Coding change: c.2076T>G on transcript NM_006502.3 (MANE Select); coding-DNA position 2076, T replaced by G.
Protein change: p.Thr692=; no amino-acid change (threonine 692 retained).
Molecular consequence: synonymous variant. On other transcripts: 3 prime UTR variant (1).
Genome position (GRCh38, 1-based): chr6:43,614,491, T>G. VCF-style: chr6-43614491-T-G. GRCh37 (hg19) VCF-style: chr6-43582228-T-G.
Other names: c.1704T>G, p.Thr568= (NM_001291969.2); c.*760T>G (NM_001291970.2).
Identifiers: ClinVar variation 2656609 (VCV002656609.23), dbSNP rs2532524797, ClinGen allele CA450384560.